The following is an entry in ClinVar:

NM_031310.3(PLVAP):c.515T>C (p.Ile172Thr)

Gene: PLVAP (plasmalemma vesicle associated protein; minus strand). Cytogenetic location: 19p13.11.
Variant type: single nucleotide variant.
Coding change: c.515T>C on transcript NM_031310.3 (MANE Select); coding-DNA position 515, T replaced by C.
Protein change: p.Ile172Thr; replaces isoleucine 172 with threonine.
Molecular consequence: missense variant.
Genome position (GRCh38, 1-based): chr19:17,365,950, A>G on the plus strand (T>C on the coding strand, the complement: PLVAP is on the minus strand). VCF-style: chr19-17365950-A-G. GRCh37 (hg19) VCF-style: chr19-17476759-A-G.
Other names: short protein forms I172T.
Identifiers: ClinVar variation 2062186 (VCV002062186.3), dbSNP rs778658837, ClinGen allele CA9294024.

ClinVar aggregate classification (germline): Uncertain significance. Review status: criteria provided, multiple submitters, no conflicts (2 of 4 stars). 2 submissions from 2 submitters: Uncertain significance (2). Last evaluated 2025-09-26.

Conditions:
Inborn genetic diseases. Identifiers: MedGen C0950123, MeSH D030342.

gnomAD v4.1: 163 of 1,613,782 alleles (0.01%); highest among the groups gnomAD compares: Admixed American, 0.022%; no homozygotes.

Submissions (2):

Labcorp Genetics (formerly Invitae), Labcorp
Classification: Uncertain significance. Last evaluated: 2025-09-26. Review status: criteria provided, single submitter. Criteria: Invitae Variant Classification Sherloc (09022015). Collection method: clinical testing. Allele origin: germline.
Comment: This sequence change replaces isoleucine, which is neutral and non-polar, with threonine, which is neutral and polar, at codon 172 of the PLVAP protein (p.Ile172Thr). This variant is present in population databases (rs778658837, gnomAD 0.03%). This variant has not been reported in the literature in individuals affected with PLVAP-related conditions. ClinVar contains an entry for this variant (Variation ID: 2062186). Invitae Evidence Modeling of protein sequence and biophysical properties (such as structural, functional, and spatial information, amino acid conservation, physicochemical variation, residue mobility, and thermodynamic stability) indicates that this missense variant is not expected to disrupt PLVAP protein function with a negative predictive value of 80%. In summary, the available evidence is currently insufficient to determine the role of this variant in disease. Therefore, it has been classified as a Variant of Uncertain Significance.

Ambry Genetics
Classification: Uncertain significance for Inborn genetic diseases. Last evaluated: 2021-06-18. Review status: criteria provided, single submitter. Criteria: Ambry Variant Classification Scheme 2023. Collection method: clinical testing. Allele origin: germline.